The following is an entry in ClinVar:

ClinVar aggregate classification (germline): Uncertain significance. Review status: criteria provided, multiple submitters, no conflicts (2 of 4 stars). 3 submissions from 3 submitters: Uncertain significance (3). Last evaluated 2024-10-13.

Conditions:
Hypokalemic periodic paralysis, type 1. Also called: HypoPP; Hypokalemic Periodic Paralysis Type 1 (AD). Identifiers: Orphanet 681, MedGen C3714580, MONDO:0042979, OMIM 170400.
Hyperkalemic periodic paralysis. Also called: Familial hyperkalemic periodic paralysis; Gamstorp disease. Identifiers: Orphanet 682, MedGen C0238357, MONDO:0008224, OMIM 170500, HP:0007215.
Paramyotonia congenita of Von Eulenburg. Also called: Eulenburg disease; Myotonia congenita intermittens; Von Eulenburg paramyotonia congenita; Paramyotonia Congenita; PARALYSIS PERIODICA PARAMYOTONICA. Identifiers: Orphanet 684, MedGen C0221055, MONDO:0008195, OMIM 168300. Disease mechanism: loss of function.
Hypokalemic periodic paralysis, type 2 (HOKPP2). Identifiers: Orphanet 681, MedGen C2750061, MONDO:0013234, OMIM 613345.
Potassium-aggravated myotonia. Also called: MYOTONIA CONGENITA, ACETAZOLAMIDE-RESPONSIVE; MYOTONIA CONGENITA, ATYPICAL; SODIUM CHANNEL MUSCLE DISEASE; Myotonia congenita, atypical, acetazolamide-responsive. Identifiers: Orphanet 612, Orphanet 99734, Orphanet 99735, Orphanet 99736, MedGen C2931826, MONDO:0018959, OMIM 608390.
Congenital myasthenic syndrome 16. Identifiers: Orphanet 590, MedGen C3280112, MONDO:0013620, OMIM 614198.

Allele frequency attached by ClinVar (database versions not stated): ExAC 0.00007; gnomAD exomes 0.00008 and 0.00002; gnomAD 0.00001; TOPMed 0.00003; 1000 Genomes Project 0.00020.
gnomAD v4.1: 32 of 1,613,926 alleles (0.002%); highest among the groups gnomAD compares: East Asian, 0.069%; no homozygotes.

Submissions (3):

Labcorp Genetics (formerly Invitae), Labcorp
Classification: Uncertain significance for Hyperkalemic periodic paralysis. Last evaluated: 2024-10-13. Review status: criteria provided, single submitter. Criteria: Invitae Variant Classification Sherloc (09022015). Collection method: clinical testing. Allele origin: germline.
Comment: This sequence change replaces isoleucine, which is neutral and non-polar, with valine, which is neutral and non-polar, at codon 1545 of the SCN4A protein (p.Ile1545Val). This variant is present in population databases (rs527928131, gnomAD 0.1%). This variant has not been reported in the literature in individuals affected with SCN4A-related conditions. ClinVar contains an entry for this variant (Variation ID: 850705). Invitae Evidence Modeling of protein sequence and biophysical properties (such as structural, functional, and spatial information, amino acid conservation, physicochemical variation, residue mobility, and thermodynamic stability) has been performed for this missense variant. However, the output from this modeling did not meet the statistical confidence thresholds required to predict the impact of this variant on SCN4A protein function. In summary, the available evidence is currently insufficient to determine the role of this variant in disease. Therefore, it has been classified as a Variant of Uncertain Significance.

Fulgent Genetics
Classification: Uncertain significance for Paramyotonia congenita of Von Eulenburg; Hypokalemic periodic paralysis, type 1; Hyperkalemic periodic paralysis; Potassium-aggravated myotonia; Hypokalemic periodic paralysis, type 2; Congenital myasthenic syndrome 16. Last evaluated: 2022-05-01. Review status: criteria provided, single submitter. Criteria: ACMG Guidelines, 2015. Collection method: clinical testing. Allele origin: unknown.

Juno Genomics, Hangzhou Juno Genomics, Inc
Classification: Uncertain significance for Paramyotonia congenita of Von Eulenburg; Hyperkalemic periodic paralysis; Potassium-aggravated myotonia; Hypokalemic periodic paralysis, type 2; Congenital myasthenic syndrome 16. Review status: criteria provided, single submitter. Criteria: ACMG Guidelines, 2015. Collection method: clinical testing. Allele origin: germline. Affected: yes.
Comment: Absent from controls (or at extremely low frequency if recessive) in Genome Aggregation Database, Exome Sequencing Project, 1000 Genomes Project, or Exome Aggregation Consortium.

NM_000334.4(SCN4A):c.4633A>G (p.Ile1545Val)

Genes: GH-LCR (growth hormone locus control region; plus strand), SCN4A (sodium voltage-gated channel alpha subunit 4; minus strand). Cytogenetic location: 17q23.3.
Variant type: single nucleotide variant.
Coding change: c.4633A>G on transcript NM_000334.4 (MANE Select); coding-DNA position 4633, A replaced by G.
Protein change: p.Ile1545Val; replaces isoleucine 1545 with valine.
Molecular consequence: missense variant.
Genome position (GRCh38, 1-based): chr17:63,941,649, T>C on the plus strand (A>G on the coding strand, the complement: SCN4A is on the minus strand). VCF-style: chr17-63941649-T-C. GRCh37 (hg19) VCF-style: chr17-62019009-T-C.
Other names: short protein forms I1545V.
Identifiers: ClinVar variation 850705 (VCV000850705.13), dbSNP rs527928131, ClinGen allele CA8708929.